The following is an entry in ClinVar:

NM_006031.6(PCNT):c.2207A>G (p.Gln736Arg)

Gene: PCNT (pericentrin; plus strand). Cytogenetic location: 21q22.3.
Variant type: single nucleotide variant.
Coding change: c.2207A>G on transcript NM_006031.6 (MANE Select); coding-DNA position 2207, A replaced by G.
Protein change: p.Gln736Arg; replaces glutamine 736 with arginine.
Molecular consequence: missense variant.
Genome position (GRCh38, 1-based): chr21:46,363,532, A>G. VCF-style: chr21-46363532-A-G. GRCh37 (hg19) VCF-style: chr21-47783447-A-G.
Other names: c.1853A>G, p.Gln618Arg (NM_001315529.2); c.2207A>G (NM_006031.5); short protein forms Q736R, Q618R.
Identifiers: ClinVar variation 2189583 (VCV002189583.3), dbSNP rs368285063, ClinGen allele CA10078926.
Genomic context (GRCh38, chr21:46,363,532, plus strand): 5'-GTCTGTAGGTAAAACACAATCTAATTGAAGACCACCAGAAGGAACTAAATAATGCTAAGC[A>G]AAAGACTGAGCTGATGAAACAGGAATTCCAAAGAAAAGAAACGGACTGGAAAGTTATGAA-3'
Protein context (NP_006022.3, residues 726-746): DHQKELNNAK[Gln736Arg]KTELMKQEFQ

ClinVar aggregate classification (germline): Uncertain significance. Review status: criteria provided, multiple submitters, no conflicts (2 of 4 stars). 3 submissions from 3 submitters: Uncertain significance (2). 1 of the submissions does not count toward it. Last evaluated 2025-03-01.

Conditions:
PCNT-related disorder. Also called: PCNT-related condition.
Inborn genetic diseases. Identifiers: MedGen C0950123, MeSH D030342.

Allele frequency attached by ClinVar (database versions not stated): gnomAD exomes 0.00001; ExAC 0.00002; gnomAD 0.00004; ESP Exome Variant Server 0.00008; TOPMed 0.00009.
gnomAD v4.1: 14 of 1,613,960 alleles (0.00087%); highest among the groups gnomAD compares: African/African-American, 0.016%; no homozygotes.

Submissions (3):

Ambry Genetics
Classification: Uncertain significance for Inborn genetic diseases. Last evaluated: 2025-03-01. Review status: criteria provided, single submitter. Criteria: Ambry Variant Classification Scheme 2023. Collection method: clinical testing. Allele origin: germline.

Labcorp Genetics (formerly Invitae), Labcorp
Classification: Uncertain significance. Last evaluated: 2022-06-14. Review status: criteria provided, single submitter. Criteria: Invitae Variant Classification Sherloc (09022015). Collection method: clinical testing. Allele origin: germline.
Comment: This sequence change replaces glutamine, which is neutral and polar, with arginine, which is basic and polar, at codon 736 of the PCNT protein (p.Gln736Arg). This variant is present in population databases (rs368285063, gnomAD 0.02%). This variant has not been reported in the literature in individuals affected with PCNT-related conditions. Algorithms developed to predict the effect of missense changes on protein structure and function (SIFT, PolyPhen-2, Align-GVGD) all suggest that this variant is likely to be tolerated. In summary, the available evidence is currently insufficient to determine the role of this variant in disease. Therefore, it has been classified as a Variant of Uncertain Significance.

PreventionGenetics, part of Exact Sciences
Classification: Uncertain significance for PCNT-related condition. Last evaluated: 2024-01-24. Review status: no assertion criteria provided. Collection method: clinical testing. Allele origin: germline. Not counted in ClinVar's aggregate classification.
Comment: The PCNT c.2207A>G variant is predicted to result in the amino acid substitution p.Gln736Arg. To our knowledge, this variant has not been reported in the literature. This variant is reported in 0.020% of alleles in individuals of African descent in gnomAD. At this time, the clinical significance of this variant is uncertain due to the absence of conclusive functional and genetic evidence.